The following is an entry in ClinVar:

ClinVar aggregate classification (germline): Uncertain significance (1 of 4 stars; one submission).

Allele frequency attached by ClinVar (database versions not stated): gnomAD 0.00002; ExAC 0.00003; 1000 Genomes Project 30x 0.00016; 1000 Genomes Project 0.00020.
gnomAD v4.1: 21 of 1,614,176 alleles (0.0013%); highest among the groups gnomAD compares: African/African-American, 0.0027%; no homozygotes.

Submission:

CeGaT Center for Human Genetics Tuebingen
Classification: Uncertain significance. Last evaluated: 2023-08-01. Review status: criteria provided, single submitter. Criteria: CeGaT Center For Human Genetics Tuebingen Variant Classification Criteria Version 2. Collection method: clinical testing. Allele origin: germline. Affected: yes. Observed: 1 variant allele.
Comment: PDYN: PM5, PP1:Moderate

NM_024411.5(PDYN):c.644G>A (p.Arg215His)

Genes: PDYN (prodynorphin; minus strand), PDYN-AS1 (PDYN antisense RNA 1; plus strand). Cytogenetic location: 20p13.
Variant type: single nucleotide variant.
Coding change: c.644G>A on transcript NM_024411.5 (MANE Select); coding-DNA position 644, G replaced by A.
Protein change: p.Arg215His; replaces arginine 215 with histidine.
Molecular consequence: missense variant.
Genome position (GRCh38, 1-based): chr20:1,980,444, C>T on the plus strand (G>A on the coding strand, the complement: PDYN is on the minus strand). VCF-style: chr20-1980444-C-T. GRCh37 (hg19) VCF-style: chr20-1961090-C-T.
Other names: c.644G>A, p.Arg215His (NM_001190892.1, NM_001190898.3, NM_001190899.2 and 1 more transcripts); short protein forms R215H.
Identifiers: ClinVar variation 2652138 (VCV002652138.24), dbSNP rs201655505, ClinGen allele CA9730242.
Genomic context (GRCh38, chr20:1,980,444, plus strand): 5'-TTGAACTGGCGCCGGAGAAAACCGCCATAGCGCTTCTGGTTGTCCCACTTGAGCTTGGGA[C>T]GAATGCGCCGCAAGAAGCCCCCATAGCGTTTGTACAGGTCCTCATGGCCCATGCTATCCC-3'
Protein context (NP_077722.1, residues 205-225): KRYGGFLRRI[Arg215His]PKLKWDNQKR